The following is an entry in ClinVar:

NM_004260.4(RECQL4):c.439C>T (p.Pro147Ser)

Gene: RECQL4 (RecQ like helicase 4; minus strand). Cytogenetic location: 8q24.3.
Variant type: single nucleotide variant.
Coding change: c.439C>T on transcript NM_004260.4 (MANE Select); coding-DNA position 439, C replaced by T.
Protein change: p.Pro147Ser; replaces proline 147 with serine.
Molecular consequence: missense variant.
Genome position (GRCh38, 1-based): chr8:144,516,680, G>A on the plus strand (C>T on the coding strand, the complement: RECQL4 is on the minus strand). VCF-style: chr8-144516680-G-A. GRCh37 (hg19) VCF-style: chr8-145742064-G-A.
Other names: c.439C>T, p.Pro147Ser (NM_001413017.1, NM_001413018.1, NM_001413019.1 and 4 more transcripts); c.-633C>T (NM_001413022.1, NM_001413023.1, NM_001413037.1 and 3 more transcripts); c.310C>T, p.Pro104Ser (NM_001413025.1); c.-695C>T (NM_001413027.1, NM_001413030.1, NM_001413031.1 and 1 more transcripts); c.-537C>T (NM_001413034.1); c.-902C>T (NM_001413043.1); c.439C>T (NM_004260.3); short protein forms P147S, P104S.
Identifiers: ClinVar variation 2021768 (VCV002021768.5), dbSNP rs2130728873, ClinGen allele CA372691482.

ClinVar aggregate classification (germline): Uncertain significance. Review status: criteria provided, multiple submitters, no conflicts (2 of 4 stars). 2 submissions from 2 submitters: Uncertain significance (2). Last evaluated 2024-11-08.

Conditions:
Baller-Gerold syndrome (BGS). Also called: CRANIOSYNOSTOSIS WITH RADIAL DEFECTS. Identifiers: Orphanet 1225, MedGen C0265308, MONDO:0009039, OMIM 218600.
Inborn genetic diseases. Identifiers: MedGen C0950123, MeSH D030342.

Allele frequency attached by ClinVar (database versions not stated): gnomAD exomes below 0.00001.
gnomAD v4.1: 1 of 1,580,220 alleles (0.000063%); highest among the groups gnomAD compares: East Asian, 0.0022%; no homozygotes.

Submissions (2):

Ambry Genetics
Classification: Uncertain significance for Inborn genetic diseases. Last evaluated: 2024-11-08. Review status: criteria provided, single submitter. Criteria: Ambry Variant Classification Scheme 2023. Collection method: clinical testing. Allele origin: germline.

Labcorp Genetics (formerly Invitae), Labcorp
Classification: Uncertain significance for Baller-Gerold syndrome. Last evaluated: 2024-02-24. Review status: criteria provided, single submitter. Criteria: Invitae Variant Classification Sherloc (09022015). Collection method: clinical testing. Allele origin: germline.
Comment: This sequence change replaces proline, which is neutral and non-polar, with serine, which is neutral and polar, at codon 147 of the RECQL4 protein (p.Pro147Ser). This variant is not present in population databases (gnomAD no frequency). This variant has not been reported in the literature in individuals affected with RECQL4-related conditions. ClinVar contains an entry for this variant (Variation ID: 2021768). Advanced modeling of protein sequence and biophysical properties (such as structural, functional, and spatial information, amino acid conservation, physicochemical variation, residue mobility, and thermodynamic stability) performed at Invitae indicates that this missense variant is not expected to disrupt RECQL4 protein function with a negative predictive value of 80%. In summary, the available evidence is currently insufficient to determine the role of this variant in disease. Therefore, it has been classified as a Variant of Uncertain Significance.